The following is an entry in ClinVar:

NM_003292.3(TPR):c.5426C>T (p.Pro1809Leu)

Gene: TPR (translocated promoter region, nuclear basket protein; minus strand). Cytogenetic location: 1q31.1.
Variant type: single nucleotide variant.
Coding change: c.5426C>T on transcript NM_003292.3 (MANE Select); coding-DNA position 5426, C replaced by T.
Protein change: p.Pro1809Leu; replaces proline 1809 with leucine.
Molecular consequence: missense variant.
Genome position (GRCh38, 1-based): chr1:186,333,151, G>A on the plus strand (C>T on the coding strand, the complement: TPR is on the minus strand). VCF-style: chr1-186333151-G-A. GRCh37 (hg19) VCF-style: chr1-186302283-G-A.
Other names: short protein forms P1809L.
Identifiers: ClinVar variation 4538336 (VCV004538336.1).

ClinVar aggregate classification (germline): Uncertain significance (1 of 4 stars; one submission).

gnomAD v4.1: 9 of 1,613,288 alleles (0.00056%); highest among the groups gnomAD compares: Admixed American, 0.013%; no homozygotes.

Submission:

Greenwood Genetic Center Diagnostic Laboratories, Greenwood Genetic Center
Classification: Uncertain significance. Last evaluated: 2025-06-25. Review status: criteria provided, single submitter. Criteria: ACMG Guidelines, 2015. Collection method: clinical testing. Allele origin: germline. Affected: yes.
Comment: PM2, BP4, PP2